The following is an entry in ClinVar:

ClinVar aggregate classification (germline): Pathogenic (1 of 4 stars; one submission).

Conditions:
Borjeson-Forssman-Lehmann syndrome (BFLS). Also called: BORJESON SYNDROME; MENTAL RETARDATION, X-LINKED, SYNDROMIC, BORJESON-FORSSMAN-LEHMANN TYPE; MENTAL RETARDATION, EPILEPSY, AND ENDOCRINE DISORDERS. Identifiers: Orphanet 127, MedGen C0265339, MONDO:0010537, OMIM 301900.

Submission:

Labcorp Genetics (formerly Invitae), Labcorp
Classification: Pathogenic for Borjeson-Forssman-Lehmann syndrome. Last evaluated: 2022-08-25. Review status: criteria provided, single submitter. Criteria: Invitae Variant Classification Sherloc (09022015). Collection method: clinical testing. Allele origin: germline.
Comment: A gross deletion of the genomic region encompassing the full coding sequence of the PHF6 gene has been identified. Loss-of-function variants in PHF6 are known to be pathogenic (PMID: 12415272, 24092917, 25099957, 26648834). The boundaries of this event are unknown as they extend beyond the assayed region for this gene and therefore may encompass additional genes. A similar copy number variant has been observed in individual(s) with Borjeson‚ÄìForssman‚ÄìLehmann syndrome (PMID: 24092917). For these reasons, this variant has been classified as Pathogenic.

Literature cited by the submitters: PubMed 12415272; PubMed 24092917; PubMed 25099957; PubMed 26648834.

NC_000023.10:g.(?_133511648)_(133559360_?)del

Gene: PHF6 (PHD finger protein 6; plus strand). Cytogenetic location: Xq26.2.
Variant type: Deletion.
Identifiers: ClinVar variation 2427038 (VCV002427038.3).